The following is an entry in ClinVar:

ClinVar aggregate classification (germline): Uncertain significance (1 of 4 stars; one submission).

Conditions:
Hereditary cancer-predisposing syndrome. Also called: Neoplastic Syndromes, Hereditary; Tumor predisposition; Hereditary neoplastic syndrome; Hereditary Cancer Syndrome. Identifiers: Orphanet 140162, MedGen C0027672, MeSH D009386, MONDO:0015356.

Submission:

Ambry Genetics
Classification: Uncertain significance for Hereditary cancer-predisposing syndrome. Last evaluated: 2026-08-03. Review status: criteria provided, single submitter. Criteria: Ambry Variant Classification Scheme 2023. Collection method: clinical testing. Allele origin: germline.
Comment: The c.4237-3T>G intronic variant results from a T to G substitution 3 nucleotides upstream from coding exon 28 in the ATM gene. This nucleotide position is highly conserved in available vertebrate species. In silico splice site analysis predicts that this alteration will weaken the native splice acceptor site. RNA studies have demonstrated that this variant results in a splice defect; the clinical impact of this abnormal splicing is unknown at this time (Ambry internal data). Based on the available evidence, the clinical significance of this variant remains unclear.

NM_000051.4(ATM):c.4237-3T>G

Gene: ATM (ATM serine/threonine kinase; plus strand). Cytogenetic location: 11q22.3.
Variant type: single nucleotide variant.
Coding change: c.4237-3T>G on transcript NM_000051.4 (MANE Select); 3 bases into the intron before coding-DNA position 4237, T replaced by G.
Molecular consequence: intron variant.
Genome position (GRCh38, 1-based): chr11:108,289,599, T>G. VCF-style: chr11-108289599-T-G. GRCh37 (hg19) VCF-style: chr11-108160326-T-G.
Other names: c.4237-3T>G (NM_001351834.2).
Identifiers: ClinVar variation 5031778 (VCV005031778.1).